The following is an entry in ClinVar:

NM_000059.4(BRCA2):c.3795T>A (p.Cys1265Ter)

Gene: BRCA2 (BRCA2 DNA repair associated; plus strand). Cytogenetic location: 13q13.1.
Variant type: single nucleotide variant.
Coding change: c.3795T>A on transcript NM_000059.4 (MANE Select); coding-DNA position 3795, T replaced by A.
Protein change: p.Cys1265Ter; replaces cysteine 1265 with a stop codon.
Molecular consequence: nonsense.
Genome position (GRCh38, 1-based): chr13:32,338,150, T>A. VCF-style: chr13-32338150-T-A. GRCh37 (hg19) VCF-style: chr13-32912287-T-A.
Other names: short protein forms C1265*.
Identifiers: ClinVar variation 1929440 (VCV001929440.6), dbSNP rs2137500050, ClinGen allele CA387778391.

ClinVar aggregate classification (germline): Pathogenic. Review status: criteria provided, multiple submitters, no conflicts (2 of 4 stars). 2 submissions from 2 submitters: Pathogenic (2). Last evaluated 2023-07-31.

Conditions:
Hereditary breast ovarian cancer syndrome. Also called: Hereditary breast and ovarian cancer syndrome; Hereditary breast and/or ovarian cancer syndrome; Hereditary breast and ovarian cancer; Hereditary breast and ovarian cancer syndrome (HBOC); Breast and ovarian cancer; BRCA1- and BRCA2-Associated Hereditary Breast and Ovarian Cancer. Identifiers: Orphanet 145, MedGen C0677776, MeSH D061325, MONDO:0003582. Disease mechanism: loss of function.
Familial cancer of breast. Also called: BREAST CANCER, FAMILIAL; Hereditary breast cancer; hereditary breast carcinoma. Identifiers: Orphanet 227535, MedGen C0346153, MONDO:0016419, OMIM 114480. Disease mechanism: loss of function.

Submissions (2):

Baylor Genetics
Classification: Pathogenic for Familial cancer of breast. Last evaluated: 2023-07-31. Review status: criteria provided, single submitter. Criteria: ACMG Guidelines, 2015. Collection method: clinical testing. Allele origin: unknown.

Labcorp Genetics (formerly Invitae), Labcorp
Classification: Pathogenic for Hereditary breast ovarian cancer syndrome. Last evaluated: 2022-04-30. Review status: criteria provided, single submitter. Criteria: Invitae Variant Classification Sherloc (09022015). Collection method: clinical testing. Allele origin: germline.
Comment: For these reasons, this variant has been classified as Pathogenic. This premature translational stop signal has been observed in individual(s) with breast cancer (PMID: 32072338). This variant is not present in population databases (gnomAD no frequency). This sequence change creates a premature translational stop signal (p.Cys1265*) in the BRCA2 gene. It is expected to result in an absent or disrupted protein product. Loss-of-function variants in BRCA2 are known to be pathogenic (PMID: 20104584).

Literature cited by the submitters: PubMed 32072338 (cited by Labcorp Genetics (formerly Invitae), Labcorp); PubMed 20104584 (cited by Labcorp Genetics (formerly Invitae), Labcorp).